The following is an entry in ClinVar:

ClinVar aggregate classification (germline): Likely pathogenic (1 of 4 stars; one submission).

Submission:

Labcorp Genetics (formerly Invitae), Labcorp
Classification: Likely pathogenic. Last evaluated: 2021-02-09. Review status: criteria provided, single submitter. Criteria: Invitae Variant Classification Sherloc (09022015). Collection method: clinical testing. Allele origin: germline.
Comment: This variant has not been reported in the literature in individuals with COL7A1-related conditions. ClinVar contains an entry for this variant (Variation ID: 950608). In summary, the currently available evidence indicates that the variant is pathogenic, but additional data are needed to prove that conclusively. Therefore, this variant has been classified as Likely Pathogenic. This variant results in the deletion of part of exon 114 (c.8408-7_8419del) of the COL7A1 gene. It is expected to disrupt RNA splicing. Variants that disrupt the donor or acceptor splice site typically lead to a loss of protein function (PMID: 16199547), and loss-of-function variants in COL7A1 are known to be pathogenic (PMID: 16971478).

Literature cited by the submitters: PubMed 16199547; PubMed 16971478.

NM_000094.4(COL7A1):c.8408-7_8419del

Gene: COL7A1 (collagen type VII alpha 1 chain; minus strand). Cytogenetic location: 3p21.31.
Variant type: Deletion.
Coding change: c.8408-7_8419del on transcript NM_000094.4 (MANE Select); 7 bases into the intron before coding-DNA position 8408 through coding-DNA position 8419, 19 bases deleted (CCTCTAGCCTGCCAGGGCC).
Molecular consequence: splice acceptor variant.
Genome position (GRCh38, 1-based): chr3:48,565,657-48,565,675, GGCCCTGGCAGGCTAGAGG deleted on the plus strand (CCTCTAGCCTGCCAGGGCC on the coding strand, the reverse complement: COL7A1 is on the minus strand); deleting any 19 consecutive bases within chr3:48,565,657-48,565,677 gives the same sequence; the c. name uses the placement nearest the transcript's 3' end. VCF-style (leftmost placement, unchanged base first): chr3-48565656-TGGCCCTGGCAGGCTAGAGG-T. GRCh37 (hg19) VCF-style: chr3-48603089-TGGCCCTGGCAGGCTAGAGG-T.
Identifiers: ClinVar variation 950608 (VCV000950608.6), dbSNP rs2043573440, ClinGen allele CA1139658076.
Genomic context (GRCh38, chr3:48,565,656, plus strand): 5'-CCTGGGGTGAAGAAAGTTCTGGGAGTAGAAAACTACTCACGTGATCCAGATGCGATGAAC[TGGCCCTGGCAGGCTAGAGG>T]GGGCAGAGAGGGATAGAGAGACAATGACAGAGAGAAGGATGGGAAGATGGAGAGACAGAC-3'